The following is an entry in ClinVar:

NM_000651.6(CR1):c.3887C>T (p.Ser1296Phe)

Gene: CR1 (complement C3b/C4b receptor 1 (Knops blood group); plus strand). Cytogenetic location: 1q32.2.
Variant type: single nucleotide variant.
Coding change: c.3887C>T on transcript NM_000651.6 (MANE Select); coding-DNA position 3887, C replaced by T.
Protein change: p.Ser1296Phe; replaces serine 1296 with phenylalanine.
Molecular consequence: missense variant.
Genome position (GRCh38, 1-based): chr1:207,565,858, C>T. VCF-style: chr1-207565858-C-T. GRCh37 (hg19) VCF-style: chr1-207739203-C-T.
Other names: c.2537C>T, p.Ser846Phe (NM_000573.4, NM_001381851.1); short protein forms S1296F, S846F.
Identifiers: ClinVar variation 2301022 (VCV002301022.25), dbSNP rs199990810, ClinGen allele CA1369718.

ClinVar aggregate classification (germline): Conflicting classifications of pathogenicity. Review status: criteria provided, conflicting classifications (1 of 4 stars). 2 submissions from 2 submitters: Uncertain significance (1); Likely benign (1). Last evaluated 2024-06-01.

Allele frequency attached by ClinVar (database versions not stated): gnomAD exomes 0.00020; gnomAD 0.00027; TOPMed 0.00029; ESP Exome Variant Server 0.00034.
gnomAD v4.1: 346 of 1,610,718 alleles (0.021%); highest among the groups gnomAD compares: African/African-American, 0.012%; 5 homozygotes.

Submissions (2):

CeGaT Center for Human Genetics Tuebingen
Classification: Likely benign. Last evaluated: 2024-06-01. Review status: criteria provided, single submitter. Criteria: CeGaT Center For Human Genetics Tuebingen Variant Classification Criteria Version 2. Collection method: clinical testing. Allele origin: germline. Affected: yes. Observed: 2 variant alleles.
Comment: CR1: BP4

Ambry Genetics
Classification: Uncertain significance. Last evaluated: 2022-04-25. Review status: criteria provided, single submitter. Criteria: Ambry Variant Classification Scheme 2023. Collection method: clinical testing. Allele origin: germline.